The following is an entry in ClinVar:

ClinVar aggregate classification (germline): Uncertain significance (1 of 4 stars; one submission).

Conditions:
Emery-Dreifuss muscular dystrophy 4, autosomal dominant (EDMD4). Also called: EMERY-DREIFUSS MUSCULAR DYSTROPHY 4 WITH VARIABLE FEATURES. Identifiers: Orphanet 261, MedGen C2751807, MONDO:0013071, OMIM 612998.
Autosomal recessive ataxia, Beauce type. Also called: SYNE1-Related Autosomal Recessive Cerebellar Ataxia; SYNE1 Deficiency; Spinocerebellar ataxia, autosomal recessive 8; ATAXIA, RECESSIVE, OF BEAUCE. Identifiers: Orphanet 88644, MedGen C1853116, MONDO:0012549, OMIM 610743.

Submission:

Labcorp Genetics (formerly Invitae), Labcorp
Classification: Uncertain significance for Emery-Dreifuss muscular dystrophy 4, autosomal dominant; Autosomal recessive ataxia, Beauce type. Last evaluated: 2022-11-10. Review status: criteria provided, single submitter. Criteria: Invitae Variant Classification Sherloc (09022015). Collection method: clinical testing. Allele origin: germline.
Comment: This sequence change replaces leucine, which is neutral and non-polar, with valine, which is neutral and non-polar, at codon 4356 of the SYNE1 protein (p.Leu4356Val). This variant is present in population databases (no rsID available, gnomAD 0.02%). This variant has not been reported in the literature in individuals affected with SYNE1-related conditions. Algorithms developed to predict the effect of missense changes on protein structure and function are either unavailable or do not agree on the potential impact of this missense change (SIFT: "Deleterious"; PolyPhen-2: "Benign"; Align-GVGD: "Class C25"). In summary, the available evidence is currently insufficient to determine the role of this variant in disease. Therefore, it has been classified as a Variant of Uncertain Significance.

NM_182961.4(SYNE1):c.13279C>G (p.Leu4427Val)

Gene: SYNE1 (spectrin repeat containing nuclear envelope protein 1; minus strand). Cytogenetic location: 6q25.2.
Variant type: single nucleotide variant.
Coding change: c.13279C>G on transcript NM_182961.4 (MANE Select); coding-DNA position 13279, C replaced by G.
Protein change: p.Leu4427Val; replaces leucine 4427 with valine.
Molecular consequence: missense variant.
Genome position (GRCh38, 1-based): chr6:152,331,406, G>C on the plus strand (C>G on the coding strand, the complement: SYNE1 is on the minus strand). VCF-style: chr6-152331406-G-C. GRCh37 (hg19) VCF-style: chr6-152652541-G-C.
Other names: c.13066C>G, p.Leu4356Val (NM_033071.5); short protein forms L4427V, L4356V.
Identifiers: ClinVar variation 1914348 (VCV001914348.5), dbSNP rs1403971965, ClinGen allele CA366102048.
Genomic context (GRCh38, chr6:152,331,406, plus strand): 5'-ACTTTCTTCGCTGGCCCACTAAGTCACTGAGACAATTCACGTGGCTTTGTGCATCAGAGA[G>C]AGCCTTCTGGATGACCTGTCGCTCATTGAGACCAAGATCTGCCATGACCCTGTCTGCGTC-3'
Protein context (NP_892006.3, residues 4417-4437): LNERQVIQKA[Leu4427Val]SDAQSHVNCL